The following is an entry in ClinVar:

ClinVar aggregate classification (germline): Pathogenic (1 of 4 stars; one submission).

Conditions:
Retinitis pigmentosa 55 (RP55). Identifiers: Orphanet 791, MedGen C3150808, MONDO:0013312, OMIM 613575.
Bardet-Biedl syndrome 3 (BBS3). Identifiers: Orphanet 110, MedGen C1859564, MONDO:0010832, OMIM 600151.

Allele frequency attached by ClinVar (database versions not stated): gnomAD exomes below 0.00001.
gnomAD v4.1: 1 of 1,613,036 alleles (0.000062%); highest among the groups gnomAD compares: Admixed American, 0.0017%; no homozygotes.

Submission:

Labcorp Genetics (formerly Invitae), Labcorp
Classification: Pathogenic for Retinitis pigmentosa 55; Bardet-Biedl syndrome 3. Last evaluated: 2023-03-20. Review status: criteria provided, single submitter. Criteria: Invitae Variant Classification Sherloc (09022015). Collection method: clinical testing. Allele origin: germline.
Comment: This sequence change creates a premature translational stop signal (p.Tyr76*) in the ARL6 gene. It is expected to result in an absent or disrupted protein product. Loss-of-function variants in ARL6 are known to be pathogenic (PMID: 15258860, 19858128, 20142850, 22334370, 27486776, 31736247). This variant is not present in population databases (gnomAD no frequency). This variant has not been reported in the literature in individuals affected with ARL6-related conditions. For these reasons, this variant has been classified as Pathogenic.

Literature cited by the submitters: PubMed 15258860; PubMed 19858128; PubMed 20142850; PubMed 22334370; PubMed 27486776; PubMed 31736247.

NM_001278293.3(ARL6):c.228C>A (p.Tyr76Ter)

Gene: ARL6 (ARF like GTPase 6; plus strand). Cytogenetic location: 3q11.2.
Variant type: single nucleotide variant.
Coding change: c.228C>A on transcript NM_001278293.3 (MANE Select); coding-DNA position 228, C replaced by A.
Protein change: p.Tyr76Ter; replaces tyrosine 76 with a stop codon.
Molecular consequence: nonsense. On other transcripts: non-coding transcript variant (7).
Genome position (GRCh38, 1-based): chr3:97,780,657, C>A. VCF-style: chr3-97780657-C-A. GRCh37 (hg19) VCF-style: chr3-97499501-C-A.
Other names: c.228C>A, p.Tyr76Ter (NM_001323513.2, NM_001323514.2, NM_032146.5 and 1 more transcripts); short protein forms Y76*.
Identifiers: ClinVar variation 2940871 (VCV002940871.3), dbSNP rs2037147164, ClinGen allele CA353586183.
Genomic context (GRCh38, chr3:97,780,657, plus strand): 5'-TTTTGCTTCTTTTTGTAGTTTGTCATTTACAGTGTTTGACATGTCAGGTCAAGGAAGATA[C>A]AGAAATCTCTGGGAACACTATTATAAGTAAGTACATCTGTGAATGTTGCTTAACTAGATG-3'